The following is an entry in ClinVar:

ClinVar aggregate classification (germline): Uncertain significance (1 of 4 stars; one submission).

Conditions:
Charcot-Marie-Tooth disease dominant intermediate F. Identifiers: Orphanet 352670, MedGen C4749463, MONDO:0014074, OMIM 615185.

Allele frequency attached by ClinVar (database versions not stated): gnomAD exomes below 0.00001.
gnomAD v4.1: 1 of 1,614,022 alleles (0.000062%); highest among the groups gnomAD compares: Admixed American, 0.0017%; no homozygotes.

Submission:

Labcorp Genetics (formerly Invitae), Labcorp
Classification: Uncertain significance for Charcot-Marie-Tooth disease dominant intermediate F. Last evaluated: 2019-01-26. Review status: criteria provided, single submitter. Criteria: Invitae Variant Classification Sherloc (09022015). Collection method: clinical testing. Allele origin: germline.
Comment: This sequence change replaces cysteine with serine at codon 148 of the GNB4 protein (p.Cys148Ser). The cysteine residue is highly conserved and there is a moderate physicochemical difference between cysteine and serine. In summary, the available evidence is currently insufficient to determine the role of this variant in disease. Therefore, it has been classified as a Variant of Uncertain Significance. Algorithms developed to predict the effect of missense changes on protein structure and function (SIFT, PolyPhen-2, Align-GVGD) all suggest that this variant is likely to be tolerated, but these predictions have not been confirmed by published functional studies and their clinical significance is uncertain. This variant has not been reported in the literature in individuals with GNB4-related conditions. This variant is not present in population databases (ExAC no frequency).

NM_021629.4(GNB4):c.442T>A (p.Cys148Ser)

Gene: GNB4 (G protein subunit beta 4; minus strand). Cytogenetic location: 3q26.33.
Variant type: single nucleotide variant.
Coding change: c.442T>A on transcript NM_021629.4 (MANE Select); coding-DNA position 442, T replaced by A.
Protein change: p.Cys148Ser; replaces cysteine 148 with serine.
Molecular consequence: missense variant.
Genome position (GRCh38, 1-based): chr3:179,413,770, A>T on the plus strand (T>A on the coding strand, the complement: GNB4 is on the minus strand). VCF-style: chr3-179413770-A-T. GRCh37 (hg19) VCF-style: chr3-179131558-A-T.
Other names: short protein forms C148S.
Identifiers: ClinVar variation 861511 (VCV000861511.9), dbSNP rs1429474978, ClinGen allele CA355469829.